The following is an entry in ClinVar:

NM_032447.5(FBN3):c.5352C>T (p.Pro1784=)

Gene: FBN3 (fibrillin 3; minus strand). Cytogenetic location: 19p13.2.
Variant type: single nucleotide variant.
Coding change: c.5352C>T on transcript NM_032447.5 (MANE Select); coding-DNA position 5352, C replaced by T.
Protein change: p.Pro1784=; no amino-acid change (proline 1784 retained).
Molecular consequence: synonymous variant.
Genome position (GRCh38, 1-based): chr19:8,096,942, G>A on the plus strand (C>T on the coding strand, the complement: FBN3 is on the minus strand). VCF-style: chr19-8096942-G-A. GRCh37 (hg19) VCF-style: chr19-8161826-G-A.
Other names: c.5352C>T, p.Pro1784= (NM_001321431.2); c.5352C>T (NM_001321431.1).
Identifiers: ClinVar variation 726900 (VCV000726900.10), dbSNP rs139171406, ClinGen allele CA9151695.
Genomic context (GRCh38, chr19:8,096,942, plus strand): 5'-CACACAAGCCCCGCCTGGCGACAGTTTGTACCCTCGGGTGCACTTGCAGCGGTAGCTACC[G>A]GGGATGTTGATGCAGTCAGCATTCTGCTGGCAGGGACTCTCCCTGCTGCCACACTCATCG-3'
Protein context (NP_115823.3, residues 1774-1794): CQQNADCINI[Pro1784=]GSYRCKCTRG

ClinVar aggregate classification (germline): Benign. Review status: criteria provided, single submitter (1 of 4 stars). 2 submissions from 2 submitters: Benign (1). 1 of the submissions does not count toward it. Last evaluated 2026-01-27.

Conditions:
FBN3-related disorder. Also called: FBN3-related condition.

Allele frequency attached by ClinVar (database versions not stated): ESP Exome Variant Server 0.00008; gnomAD 0.00024 and 0.00095; TOPMed 0.00045; gnomAD exomes 0.00160 and 0.00301; ExAC 0.00346; 1000 Genomes Project 30x 0.00515; 1000 Genomes Project 0.00539.
gnomAD v4.1: 2,518 of 1,613,732 alleles (0.16%); highest among the groups gnomAD compares: South Asian, 2.2%; 57 homozygotes.

Submissions (2):

Labcorp Genetics (formerly Invitae), Labcorp
Classification: Benign. Last evaluated: 2026-01-27. Review status: criteria provided, single submitter. Criteria: Invitae Variant Classification Sherloc (09022015). Collection method: clinical testing. Allele origin: germline.

PreventionGenetics, part of Exact Sciences
Classification: Likely benign for FBN3-related condition. Last evaluated: 2019-02-21. Review status: no assertion criteria provided. Collection method: clinical testing. Allele origin: germline. Not counted in ClinVar's aggregate classification.
Comment: This variant is classified as likely benign based on ACMG/AMP sequence variant interpretation guidelines (Richards et al. 2015 PMID: 25741868, with internal and published modifications).